The following is an entry in ClinVar:

NM_000540.3(RYR1):c.11624C>T (p.Ala3875Val)

Gene: RYR1 (ryanodine receptor 1; plus strand). Cytogenetic location: 19q13.2.
Variant type: single nucleotide variant.
Coding change: c.11624C>T on transcript NM_000540.3 (MANE Select); coding-DNA position 11624, C replaced by T.
Protein change: p.Ala3875Val; replaces alanine 3875 with valine.
Molecular consequence: missense variant.
Genome position (GRCh38, 1-based): chr19:38,537,895, C>T. VCF-style: chr19-38537895-C-T. GRCh37 (hg19) VCF-style: chr19-39028535-C-T.
Other names: c.11609C>T, p.Ala3870Val (NM_001042723.2); short protein forms A3875V, A3870V.
Identifiers: ClinVar variation 3705867 (VCV003705867.1).
Genomic context (GRCh38, chr19:38,537,895, plus strand): 5'-GCGCATCTGACCCCTCCTGGGCCCTGTCCCCTCCCTTCCACCTAGGAGAGAAGGTCATGG[C>T]GGATGATGAATTCACACAAGACCTGTTCCGATTCCTACAATTGCTCTGTGAGGGGCACAA-3'
Protein context (NP_000531.2, residues 3865-3885): INRQNGEKVM[Ala3875Val]DDEFTQDLFR

ClinVar aggregate classification (germline): Uncertain significance (1 of 4 stars; one submission).

Conditions:
RYR1-related disorder. Also called: RYR1-related condition; RYR1-related disorders. Identifiers: MedGen CN239331.

gnomAD v4.1: 6 of 1,584,100 alleles (0.00038%); highest among the groups gnomAD compares: South Asian, 0.0011%; no homozygotes.

Submission:

Labcorp Genetics (formerly Invitae), Labcorp
Classification: Uncertain significance for RYR1-related disorder. Last evaluated: 2025-01-29. Review status: criteria provided, single submitter. Criteria: Invitae Variant Classification Sherloc (09022015). Collection method: clinical testing. Allele origin: germline.
Comment: This sequence change replaces alanine, which is neutral and non-polar, with valine, which is neutral and non-polar, at codon 3875 of the RYR1 protein (p.Ala3875Val). This variant is present in population databases (no rsID available, gnomAD 0.007%). This variant has not been reported in the literature in individuals affected with RYR1-related conditions. Invitae Evidence Modeling of protein sequence and biophysical properties (such as structural, functional, and spatial information, amino acid conservation, physicochemical variation, residue mobility, and thermodynamic stability) indicates that this missense variant is not expected to disrupt RYR1 protein function with a negative predictive value of 80%. In summary, the available evidence is currently insufficient to determine the role of this variant in disease. Therefore, it has been classified as a Variant of Uncertain Significance.